The following is an entry in ClinVar:

ClinVar aggregate classification (germline): Uncertain significance (1 of 4 stars; one submission).

Conditions:
Hypertrophic cardiomyopathy. Also called: HYPERTROPHIC MYOCARDIOPATHY. Identifiers: Orphanet 217569, MedGen C0007194, MeSH D002312, MONDO:0005045, HP:0001639.

gnomAD v4.1: 2 of 1,613,670 alleles (0.00012%); highest among the groups gnomAD compares: African/African-American, 0.0013%; no homozygotes.

Submission:

Labcorp Genetics (formerly Invitae), Labcorp
Classification: Uncertain significance for Hypertrophic cardiomyopathy. Last evaluated: 2025-10-09. Review status: criteria provided, single submitter. Criteria: Invitae Variant Classification Sherloc (09022015). Collection method: clinical testing. Allele origin: germline.
Comment: This sequence change replaces isoleucine, which is neutral and non-polar, with threonine, which is neutral and polar, at codon 1224 of the MYOM1 protein (p.Ile1224Thr). This variant is not present in population databases (gnomAD no frequency). This variant has not been reported in the literature in individuals affected with MYOM1-related conditions. Invitae Evidence Modeling of protein sequence and biophysical properties (such as structural, functional, and spatial information, amino acid conservation, physicochemical variation, residue mobility, and thermodynamic stability) indicates that this missense variant is not expected to disrupt MYOM1 protein function with a negative predictive value of 80%. In summary, the available evidence is currently insufficient to determine the role of this variant in disease. Therefore, it has been classified as a Variant of Uncertain Significance.

NM_003803.4(MYOM1):c.3671T>C (p.Ile1224Thr)

Gene: MYOM1 (myomesin 1; minus strand). Cytogenetic location: 18p11.31.
Variant type: single nucleotide variant.
Coding change: c.3671T>C on transcript NM_003803.4 (MANE Select); coding-DNA position 3671, T replaced by C.
Protein change: p.Ile1224Thr; replaces isoleucine 1224 with threonine.
Molecular consequence: missense variant.
Genome position (GRCh38, 1-based): chr18:3,100,331, A>G on the plus strand (T>C on the coding strand, the complement: MYOM1 is on the minus strand). VCF-style: chr18-3100331-A-G. GRCh37 (hg19) VCF-style: chr18-3100329-A-G.
Other names: c.3383T>C, p.Ile1128Thr (NM_019856.2); short protein forms I1128T, I1224T.
Identifiers: ClinVar variation 4770755 (VCV004770755.1).